The following is an entry in ClinVar:

NM_032043.3(BRIP1):c.2434C>T (p.Pro812Ser)

Gene: BRIP1 (BRCA1 interacting DNA helicase 1; minus strand). Cytogenetic location: 17q23.2.
Variant type: single nucleotide variant.
Coding change: c.2434C>T on transcript NM_032043.3 (MANE Select); coding-DNA position 2434, C replaced by T.
Protein change: p.Pro812Ser; replaces proline 812 with serine.
Molecular consequence: missense variant.
Genome position (GRCh38, 1-based): chr17:61,716,009, G>A on the plus strand (C>T on the coding strand, the complement: BRIP1 is on the minus strand). VCF-style: chr17-61716009-G-A. GRCh37 (hg19) VCF-style: chr17-59793370-G-A.
Other names: short protein forms P812S.
Identifiers: ClinVar variation 1320485 (VCV001320485.4), dbSNP rs779915262, ClinGen allele CA8690526.
Genomic context (GRCh38, chr17:61,716,009, plus strand): 5'-ACCTACCAAGGGCCTGGTTTAAGGCCCTGTATGCTTGAATTTCATACCACTGACGGCCAG[G>A]TAGAAGACCTCTCAATTTTGAATGGTGGTCATTGTATTGTCGTTTTAGTTCAACCTAATA-3'
Protein context (NP_114432.2, residues 802-822): DHHSKLRGLL[Pro812Ser]GRQWYEIQAY

ClinVar aggregate classification (germline): Uncertain significance. Review status: criteria provided, multiple submitters, no conflicts (2 of 4 stars). 2 submissions from 2 submitters: Uncertain significance (2). Last evaluated 2024-09-21.

Conditions:
Familial cancer of breast. Also called: Hereditary breast cancer; hereditary breast carcinoma; BREAST CANCER, FAMILIAL. Identifiers: Orphanet 227535, MedGen C0346153, MONDO:0016419, OMIM 114480. Disease mechanism: loss of function.
Fanconi anemia complementation group J. Also called: BRIP1-Related Fanconi Anemia. Identifiers: Orphanet 84, MedGen C1836860, MONDO:0012187, OMIM 609054.

Allele frequency attached by ClinVar (database versions not stated): gnomAD exomes below 0.00001; TOPMed below 0.00001; ExAC 0.00001.
gnomAD v4.1: 1 of 1,608,528 alleles (0.000062%); highest among the groups gnomAD compares: Admixed American, 0.0017%; no homozygotes.

Submissions (2):

Labcorp Genetics (formerly Invitae), Labcorp
Classification: Uncertain significance for Familial cancer of breast; Fanconi anemia complementation group J. Last evaluated: 2024-09-21. Review status: criteria provided, single submitter. Criteria: Invitae Variant Classification Sherloc (09022015). Collection method: clinical testing. Allele origin: germline.
Comment: This sequence change replaces proline, which is neutral and non-polar, with serine, which is neutral and polar, at codon 812 of the BRIP1 protein (p.Pro812Ser). This variant is present in population databases (rs779915262, gnomAD 0.003%). This variant has not been reported in the literature in individuals affected with BRIP1-related conditions. ClinVar contains an entry for this variant (Variation ID: 1320485). Invitae Evidence Modeling of protein sequence and biophysical properties (such as structural, functional, and spatial information, amino acid conservation, physicochemical variation, residue mobility, and thermodynamic stability) indicates that this missense variant is not expected to disrupt BRIP1 protein function with a negative predictive value of 80%. In summary, the available evidence is currently insufficient to determine the role of this variant in disease. Therefore, it has been classified as a Variant of Uncertain Significance.

GeneDx
Classification: Uncertain significance. Last evaluated: 2020-01-15. Review status: criteria provided, single submitter. Criteria: GeneDx Variant Classification Process June 2021. Collection method: clinical testing. Allele origin: germline. Affected: yes.
Comment: Not observed at a significant frequency in large population cohorts (Lek 2016); In silico analysis, which includes protein predictors and evolutionary conservation, supports that this variant does not alter protein structure/function; Has not been previously published as pathogenic or benign to our knowledge